The following is an entry in ClinVar:

ClinVar aggregate classification (germline): Uncertain significance (1 of 4 stars; one submission).

Submission:

Labcorp Genetics (formerly Invitae), Labcorp
Classification: Uncertain significance. Last evaluated: 2023-01-15. Review status: criteria provided, single submitter. Criteria: Invitae Variant Classification Sherloc (09022015). Collection method: clinical testing. Allele origin: germline.
Comment: Algorithms developed to predict the effect of missense changes on protein structure and function output the following: SIFT: "Tolerated"; PolyPhen-2: "Benign"; Align-GVGD: "Class C0". The glutamic acid amino acid residue is found in multiple mammalian species, which suggests that this missense change does not adversely affect protein function. In summary, the available evidence is currently insufficient to determine the role of this variant in disease. Therefore, it has been classified as a Variant of Uncertain Significance. This variant has not been reported in the literature in individuals affected with NLRP1-related conditions. This variant is not present in population databases (gnomAD no frequency). This sequence change replaces alanine, which is neutral and non-polar, with glutamic acid, which is acidic and polar, at codon 1020 of the NLRP1 protein (p.Ala1020Glu).

NM_033004.4(NLRP1):c.3059C>A (p.Ala1020Glu)

Gene: NLRP1 (NLR family pyrin domain containing 1; minus strand). Cytogenetic location: 17p13.2.
Variant type: single nucleotide variant.
Coding change: c.3059C>A on transcript NM_033004.4 (MANE Select); coding-DNA position 3059, C replaced by A.
Protein change: p.Ala1020Glu; replaces alanine 1020 with glutamic acid.
Molecular consequence: missense variant.
Genome position (GRCh38, 1-based): chr17:5,533,378, G>T on the plus strand (C>A on the coding strand, the complement: NLRP1 is on the minus strand). VCF-style: chr17-5533378-G-T. GRCh37 (hg19) VCF-style: chr17-5436698-G-T.
Other names: c.3059C>A, p.Ala1020Glu (NM_001033053.3, NM_014922.5); c.2969C>A, p.Ala990Glu (NM_033006.4, NM_033007.4); short protein forms A1020E, A990E.
Identifiers: ClinVar variation 2827350 (VCV002827350.3), dbSNP rs777794047, ClinGen allele CA397391964.